The following is an entry in ClinVar:

ClinVar aggregate classification (germline): Uncertain significance (1 of 4 stars; one submission).

Submission:

Labcorp Genetics (formerly Invitae), Labcorp
Classification: Uncertain significance. Last evaluated: 2022-10-05. Review status: criteria provided, single submitter. Criteria: Invitae Variant Classification Sherloc (09022015). Collection method: clinical testing. Allele origin: germline.
Comment: In summary, the available evidence is currently insufficient to determine the role of this variant in disease. Therefore, it has been classified as a Variant of Uncertain Significance. Advanced modeling of protein sequence and biophysical properties (such as structural, functional, and spatial information, amino acid conservation, physicochemical variation, residue mobility, and thermodynamic stability) performed at Invitae indicates that this missense variant is not expected to disrupt SCN3A protein function. This variant has not been reported in the literature in individuals affected with SCN3A-related conditions. This variant is not present in population databases (gnomAD no frequency). This sequence change replaces phenylalanine, which is neutral and non-polar, with leucine, which is neutral and non-polar, at codon 305 of the SCN3A protein (p.Phe305Leu).

NM_006922.4(SCN3A):c.915T>G (p.Phe305Leu)

Gene: SCN3A (sodium voltage-gated channel alpha subunit 3; minus strand). Cytogenetic location: 2q24.3.
Variant type: single nucleotide variant.
Coding change: c.915T>G on transcript NM_006922.4 (MANE Select); coding-DNA position 915, T replaced by G.
Protein change: p.Phe305Leu; replaces phenylalanine 305 with leucine.
Molecular consequence: missense variant.
Genome position (GRCh38, 1-based): chr2:165,162,608, A>C on the plus strand (T>G on the coding strand, the complement: SCN3A is on the minus strand). VCF-style: chr2-165162608-A-C. GRCh37 (hg19) VCF-style: chr2-166019118-A-C.
Other names: c.915T>G, p.Phe305Leu (NM_001081676.2, NM_001081677.2); short protein forms F305L.
Identifiers: ClinVar variation 2807660 (VCV002807660.3), dbSNP rs2468476248, ClinGen allele CA349238965.